The following is an entry in ClinVar:

ClinVar aggregate classification (germline): Uncertain significance (1 of 4 stars; one submission).

Conditions:
Immunodeficiency, common variable, 10. Also called: IMMUNODEFICIENCY, COMMON VARIABLE, WITH CENTRAL ADRENAL INSUFFICIENCY; DEFICIT IN ANTERIOR PITUITARY FUNCTION AND VARIABLE IMMUNODEFICIENCY. Identifiers: MedGen C3809991, MONDO:0014260, OMIM 615577.

Submission:

Labcorp Genetics (formerly Invitae), Labcorp
Classification: Uncertain significance for Immunodeficiency, common variable, 10. Last evaluated: 2022-12-30. Review status: criteria provided, single submitter. Criteria: Invitae Variant Classification Sherloc (09022015). Collection method: clinical testing. Allele origin: germline.
Comment: This variant is not present in population databases (gnomAD no frequency). This sequence change replaces leucine, which is neutral and non-polar, with proline, which is neutral and non-polar, at codon 778 of the NFKB2 protein (p.Leu778Pro). This variant has not been reported in the literature in individuals affected with NFKB2-related conditions. In summary, the available evidence is currently insufficient to determine the role of this variant in disease. Therefore, it has been classified as a Variant of Uncertain Significance. Algorithms developed to predict the effect of missense changes on protein structure and function are either unavailable or do not agree on the potential impact of this missense change (SIFT: "Deleterious"; PolyPhen-2: "Probably Damaging"; Align-GVGD: "Class C0"). ClinVar contains an entry for this variant (Variation ID: 580369).

NM_001322934.2(NFKB2):c.2333T>C (p.Leu778Pro)

Gene: NFKB2 (nuclear factor kappa B subunit 2; plus strand). Cytogenetic location: 10q24.32.
Variant type: single nucleotide variant.
Coding change: c.2333T>C on transcript NM_001322934.2 (MANE Select); coding-DNA position 2333, T replaced by C.
Protein change: p.Leu778Pro; replaces leucine 778 with proline.
Molecular consequence: missense variant.
Genome position (GRCh38, 1-based): chr10:102,401,784, T>C. VCF-style: chr10-102401784-T-C. GRCh37 (hg19) VCF-style: chr10-104161541-T-C.
Other names: c.2333T>C, p.Leu778Pro (LRG_1347t1, NM_001077494.3, NM_001261403.3 and 2 more transcripts); c.2207T>C, p.Leu736Pro (NM_001322935.1); short protein forms L778P, L736P.
Identifiers: ClinVar variation 580369 (VCV000580369.7), dbSNP rs1565213628, ClinGen allele CA377905384.